The following is an entry in ClinVar:

NM_001009925.2(TMEM230):c.261dup (p.Leu88fs)

Gene: TMEM230 (transmembrane protein 230; minus strand). Cytogenetic location: 20p12.3.
Variant type: Duplication.
Coding change: c.261dup on transcript NM_001009925.2 (MANE Select); coding-DNA position 261, one base duplicated (T; older notation c.261dupT).
Protein change: p.Leu88fs; shifts the reading frame from leucine 88.
Molecular consequence: frameshift variant. On other transcripts: intron variant (1).
Genome position (GRCh38, 1-based): chr20:5,100,893, A duplicated on the plus strand (T on the coding strand, the reverse complement: TMEM230 is on the minus strand); the first of 2 consecutive A bases (chr20:5,100,893-5,100,894); duplicating either gives the same sequence. VCF-style (leftmost placement, unchanged base first): chr20-5100892-G-GA. GRCh37 (hg19) VCF-style: chr20-5081538-G-GA.
Other names: c.261dup, p.Leu88fs (NM_001009924.2, NM_001330984.2, NM_001330985.2 and 3 more transcripts); c.222+5295dup (NM_001330987.2); short protein forms L88fs.
Identifiers: ClinVar variation 3618860 (VCV003618860.2).
Genomic context (GRCh38, chr20:5,100,892, plus strand): 5'-GGTAGCCTTTGGATGCATAGTAAGCGATGCGCAGGTGGTAAAATCCGGGTAGGAACACCA[G>GA]AATGCCAATGATCAGCACTGGAACGGCCCGGTCTGCCCCCTGGTGGCAGAAGGAGGCAAA-3'

ClinVar aggregate classification (germline): Uncertain significance (1 of 4 stars; one submission).

Submission:

Labcorp Genetics (formerly Invitae), Labcorp
Classification: Uncertain significance. Last evaluated: 2024-10-08. Review status: criteria provided, single submitter. Criteria: Invitae Variant Classification Sherloc (09022015). Collection method: clinical testing. Allele origin: germline.
Comment: This sequence change creates a premature translational stop signal (p.Leu151Serfs*26) in the TMEM230 gene. While this is not anticipated to result in nonsense mediated decay, it is expected to disrupt the last 33 amino acid(s) of the TMEM230 protein. This variant is present in population databases (rs756696362, gnomAD 0.02%). This variant has not been reported in the literature in individuals affected with TMEM230-related conditions. In summary, the available evidence is currently insufficient to determine the role of this variant in disease. Therefore, it has been classified as a Variant of Uncertain Significance.